The following is an entry in ClinVar:

NM_032638.5(GATA2):c.116TGC[3] (p.Leu40_Pro41insLeu)

Gene: GATA2 (GATA binding protein 2; minus strand). Cytogenetic location: 3q21.3.
Variant type: Microsatellite.
Coding change: c.116TGC[3] on transcript NM_032638.5 (MANE Select); three copies in a row of the 3-base unit TGC starting at c.116; the reference has two copies in a row; one copy, 3 bases duplicated.
Protein change: p.Leu40_Pro41insLeu.
Molecular consequence: inframe indel (on NM_032638.4).
Genome position (GRCh38, 1-based): chr3:128,486,911-128,486,913, GCA duplicated on the plus strand (TGC on the coding strand, the reverse complement: GATA2 is on the minus strand); duplicating any 3 consecutive bases within chr3:128,486,911-128,486,918 gives the same sequence; the position shown is the placement nearest the transcript's 3' end. VCF-style (leftmost placement, unchanged base first): chr3-128486910-G-GGCA. GRCh37 (hg19) VCF-style: chr3-128205753-G-GGCA.
Other names: c.116TGC[3], p.Leu40_Pro41insLeu (NM_001145661.2, NM_001145662.1); c.114_116GCT[3], p.Leu40_Pro41insLeu (NM_032638.4); c.119_121dupTGC (NM_032638.4).
Identifiers: ClinVar variation 4262126 (VCV004262126.1).
Genomic context (GRCh38, chr3:128,486,910, plus strand): 5'-GCATAGTAGGGGTTGCCCTGCGAGTCGAGGTGATTGAAGAAGACGTCCACCTCGTCTGGA[G>GGCA]GCAGCAGCTGCGCGGGTTCCATGTAGTTGTGCGCCAGGCCCGGGTGGTGTGAGTCGGGGT-3'

ClinVar aggregate classification (germline): Uncertain significance (1 of 4 stars; one submission).

Conditions:
Inborn genetic diseases. Identifiers: MedGen C0950123, MeSH D030342.

Submission:

Ambry Genetics
Classification: Uncertain significance for Inborn genetic diseases. Last evaluated: 2025-07-24. Review status: criteria provided, single submitter. Criteria: Ambry Variant Classification Scheme 2023. Collection method: clinical testing. Allele origin: germline.
Comment: The c.119_121dupTGC variant (also known as p.L40dup), located in coding exon 1 of the GATA2 gene, results from an in-frame duplication of TGC at nucleotide positions 119 to 121. This results in the duplication of a leucine residue at codon 40. This amino acid position is highly conserved in available vertebrate species. In addition, the in silico prediction for this variant is inconclusive (Choi Y et al. PLoS ONE. 2012; 7(10):e46688). Based on the available evidence, the clinical significance of this variant remains unclear.